The following is an entry in ClinVar:

ClinVar aggregate classification (germline): Uncertain significance (0 of 4 stars; one submission).

Conditions:
BACH2-related disorder. Also called: BACH2-related condition.

Allele frequency attached by ClinVar (database versions not stated): gnomAD exomes below 0.00001.
gnomAD v4.1: 1 of 1,614,240 alleles (0.000062%); highest among the groups gnomAD compares: Middle Eastern, 0.016%; no homozygotes.

Submission:

PreventionGenetics, part of Exact Sciences
Classification: Uncertain significance for BACH2-related condition. Last evaluated: 2024-01-23. Review status: no assertion criteria provided. Collection method: clinical testing. Allele origin: germline.
Comment: The BACH2 c.589A>G variant is predicted to result in the amino acid substitution p.Ile197Val. To our knowledge, this variant has not been reported in the literature or in a large population database, indicating this variant is rare. At this time, the clinical significance of this variant is uncertain due to the absence of conclusive functional and genetic evidence.

NM_021813.4(BACH2):c.589A>G (p.Ile197Val)

Gene: BACH2 (BTB domain and CNC homolog 2; minus strand). Cytogenetic location: 6q15.
Variant type: single nucleotide variant.
Coding change: c.589A>G on transcript NM_021813.4 (MANE Select); coding-DNA position 589, A replaced by G.
Protein change: p.Ile197Val; replaces isoleucine 197 with valine.
Molecular consequence: missense variant.
Genome position (GRCh38, 1-based): chr6:89,951,517, T>C on the plus strand (A>G on the coding strand, the complement: BACH2 is on the minus strand). VCF-style: chr6-89951517-T-C. GRCh37 (hg19) VCF-style: chr6-90661236-T-C.
Other names: c.589A>G, p.Ile197Val (NM_001170794.2); short protein forms I197V.
Identifiers: ClinVar variation 3037748 (VCV003037748.2), dbSNP rs2533567594, ClinGen allele CA365072675.